The following is an entry in ClinVar:

NM_000222.3(KIT):c.829A>G (p.Ile277Val)

Gene: KIT (KIT proto-oncogene, receptor tyrosine kinase; plus strand). Cytogenetic location: 4q12.
Variant type: single nucleotide variant.
Coding change: c.829A>G on transcript NM_000222.3 (MANE Select); coding-DNA position 829, A replaced by G.
Protein change: p.Ile277Val; replaces isoleucine 277 with valine.
Molecular consequence: missense variant.
Genome position (GRCh38, 1-based): chr4:54,703,796, A>G. VCF-style: chr4-54703796-A-G. GRCh37 (hg19) VCF-style: chr4-55569962-A-G.
Other names: c.829A>G, p.Ile277Val (NM_001093772.2, NM_001385285.1, NM_001385286.1); c.832A>G, p.Ile278Val (NM_001385284.1, NM_001385288.1, NM_001385290.1 and 1 more transcripts); short protein forms I277V, I278V.
Identifiers: ClinVar variation 409751 (VCV000409751.16), dbSNP rs757547974, ClinGen allele CA16611541.

ClinVar aggregate classification (germline): Uncertain significance. Review status: criteria provided, multiple submitters, no conflicts (2 of 4 stars). 5 submissions from 5 submitters: Uncertain significance (4). 1 of the submissions does not count toward it. Last evaluated 2026-01-10.

Conditions:
KIT-related disorder. Also called: KIT-related condition.
Hereditary cancer-predisposing syndrome. Also called: Neoplastic Syndromes, Hereditary; Tumor predisposition; Hereditary Cancer Syndrome; Hereditary neoplastic syndrome. Identifiers: Orphanet 140162, MedGen C0027672, MeSH D009386, MONDO:0015356.
Gastrointestinal stromal tumor. Also called: Gastrointestinal stroma tumor; Gastrointestinal stromal tumor, somatic. Identifiers: Orphanet 44890, MedGen C0238198, MeSH D046152, MONDO:0011719, OMIM 606764, HP:0100723.

Allele frequency attached by ClinVar (database versions not stated): gnomAD exomes 0.00001; gnomAD 0.00002 and 0.00003; TOPMed 0.00002.
gnomAD v4.1: 12 of 1,613,436 alleles (0.00074%); highest among the groups gnomAD compares: Admixed American, 0.0067%; no homozygotes.

Submissions (5):

Labcorp Genetics (formerly Invitae), Labcorp
Classification: Uncertain significance for Gastrointestinal stromal tumor. Last evaluated: 2026-01-10. Review status: criteria provided, single submitter. Criteria: Invitae Variant Classification Sherloc (09022015). Collection method: clinical testing. Allele origin: germline.
Comment: This sequence change replaces isoleucine, which is neutral and non-polar, with valine, which is neutral and non-polar, at codon 277 of the KIT protein (p.Ile277Val). This variant is present in population databases (no rsID available, gnomAD 0.1%). This variant has not been reported in the literature in individuals affected with KIT-related conditions. ClinVar contains an entry for this variant (Variation ID: 409751). An algorithm developed to predict the effect of missense changes on protein structure and function outputs the following: PolyPhen-2: "Benign". The valine amino acid residue is found in multiple mammalian species, which suggests that this missense change does not adversely affect protein function. In summary, the available evidence is currently insufficient to determine the role of this variant in disease. Therefore, it has been classified as a Variant of Uncertain Significance.

Ambry Genetics
Classification: Uncertain significance for Hereditary cancer-predisposing syndrome. Last evaluated: 2025-01-06. Review status: criteria provided, single submitter. Criteria: Ambry Variant Classification Scheme 2023. Collection method: clinical testing. Allele origin: germline.
Comment: The p.I277V variant (also known as c.829A>G), located in coding exon 5 of the KIT gene, results from an A to G substitution at nucleotide position 829. The isoleucine at codon 277 is replaced by valine, an amino acid with highly similar properties. This amino acid position is conserved. In addition, this alteration is predicted to be tolerated by in silico analysis. Based on the available evidence, the clinical significance of this variant remains unclear.

Revvity Omics, Revvity
Classification: Uncertain significance. Last evaluated: 2019-10-03. Review status: criteria provided, single submitter. Criteria: ACMG Guidelines, 2015. Collection method: clinical testing. Allele origin: germline.

Blueprint Genetics
Classification: Uncertain significance. Last evaluated: 2019-09-19. Review status: criteria provided, single submitter. Criteria: ACMG Guidelines, 2015. Collection method: clinical testing. Allele origin: germline.

PreventionGenetics, part of Exact Sciences
Classification: Likely benign for KIT-related condition. Last evaluated: 2022-08-01. Review status: no assertion criteria provided. Collection method: clinical testing. Allele origin: germline. Not counted in ClinVar's aggregate classification.
Comment: This variant is classified as likely benign based on ACMG/AMP sequence variant interpretation guidelines (Richards et al. 2015 PMID: 25741868, with internal and published modifications).